The following is an entry in ClinVar:

NM_020745.4(AARS2):c.401T>C (p.Leu134Pro)

Gene: AARS2 (alanyl-tRNA synthetase 2, mitochondrial; minus strand). Cytogenetic location: 6p21.1.
Variant type: single nucleotide variant.
Coding change: c.401T>C on transcript NM_020745.4 (MANE Select); coding-DNA position 401, T replaced by C.
Protein change: p.Leu134Pro; replaces leucine 134 with proline.
Molecular consequence: missense variant.
Genome position (GRCh38, 1-based): chr6:44,312,106, A>G on the plus strand (T>C on the coding strand, the complement: AARS2 is on the minus strand). VCF-style: chr6-44312106-A-G. GRCh37 (hg19) VCF-style: chr6-44279843-A-G.
Other names: short protein forms L134P.
Identifiers: ClinVar variation 3360176 (VCV003360176.1).

ClinVar aggregate classification (germline): Uncertain significance (1 of 4 stars; one submission).

gnomAD v4.1: 6 of 1,614,146 alleles (0.00037%); highest among the groups gnomAD compares: African/African-American, 0.0013%; no homozygotes.

Submission:

GeneDx
Classification: Uncertain significance. Last evaluated: 2023-06-21. Review status: criteria provided, single submitter. Criteria: GeneDx Variant Classification Process June 2021. Collection method: clinical testing. Allele origin: germline. Affected: yes.
Comment: Not observed at significant frequency in large population cohorts (gnomAD); In silico analysis supports that this missense variant has a deleterious effect on protein structure/function; Has not been previously published as pathogenic or benign to our knowledge